The following is an entry in ClinVar:

ClinVar aggregate classification (germline): Pathogenic. Review status: criteria provided, multiple submitters, no conflicts (2 of 4 stars). 3 submissions from 3 submitters: Pathogenic (2). 1 of the submissions does not count toward it. Last evaluated 2024-07-16.

Conditions:
CDKL5 disorder. Identifiers: MedGen CN296942, MONDO:0100039.
Atypical Rett syndrome. Also called: Variant Rett Syndrome; Rett like syndrome. Identifiers: Orphanet 3095, MedGen C2748910, MONDO:0017746.

Submissions (3):

Centre for Population Genomics, CPG
Classification: Pathogenic for CDKL5 disorder. Last evaluated: 2024-07-16. Review status: criteria provided, single submitter. Criteria: McKnight et al. (Hum Mutat. 2022). Collection method: curation. Allele origin: germline. Inheritance: X-linked inheritance.
Comment: This variant has been collected from RettBASE and curated to current modified ACMG/AMP criteria. Based on the classification scheme defined by the ClinGen Rett/Angelman-like Expert Panel for Rett/AS-like Disorders Specifications to the ACMG/AMP Variant Interpretation Guidelines VCEP 3.0, this variant is classified as pathogenic. At least the following criteria are met: Predicted to result in loss of function, and LOF is a known mechanism of disease (PVS1). This variant has been identified as a de novo occurrence in an individual with CDKL5 disorder without confirmation of paternity and maternity (PM6, PMID: 18790821). This variant is absent from gnomAD (PM2_Supporting).

GeneDx
Classification: Pathogenic. Last evaluated: 2014-10-28. Review status: criteria provided, single submitter. Criteria: GeneDx Variant Classification (06012015). Collection method: clinical testing. Allele origin: germline. Affected: yes.
Comment: This variant is predicted to cause loss of normal protein function either through protein truncation or nonsense-mediated mRNA decay. Therefore, the presence of Q118X is consistent with the diagnosis of a CDKL5-related disorder

RettBASE
Classification: Pathogenic for Atypical Rett syndrome. Last evaluated: 2014-03-13. Review status: no assertion criteria provided. Collection method: curation. Allele origin: de novo. Affected: yes. Observed: 1 variant allele. Not counted in ClinVar's aggregate classification.

Literature cited by the submitters: PubMed 18790821 (cited by RettBASE).

NM_001323289.2(CDKL5):c.352C>T (p.Gln118Ter)

Gene: CDKL5 (cyclin dependent kinase like 5; plus strand). Cytogenetic location: Xp22.13.
Variant type: single nucleotide variant.
Coding change: c.352C>T on transcript NM_001323289.2 (MANE Select); coding-DNA position 352, C replaced by T.
Protein change: p.Gln118Ter; replaces glutamine 118 with a stop codon.
Molecular consequence: nonsense.
Genome position (GRCh38, 1-based): chrX:18,579,917, C>T. VCF-style: chrX-18579917-C-T. GRCh37 (hg19) VCF-style: chrX-18598037-C-T.
Other names: NM_001323289.2(CDKL5):c.352C>T; p.Gln118Ter; c.352C>T, p.Gln118Ter (NM_001037343.2, NM_003159.3); short protein forms Q118*.
Identifiers: ClinVar variation 143817 (VCV000143817.5), dbSNP rs267608453, ClinGen allele CA170489.